The following is an entry in ClinVar:

NM_025144.4(ALPK1):c.1507G>C (p.Val503Leu)

Gene: ALPK1 (alpha kinase 1; plus strand). Cytogenetic location: 4q25.
Variant type: single nucleotide variant.
Coding change: c.1507G>C on transcript NM_025144.4 (MANE Select); coding-DNA position 1507, G replaced by C.
Protein change: p.Val503Leu; replaces valine 503 with leucine.
Molecular consequence: missense variant.
Genome position (GRCh38, 1-based): chr4:112,431,054, G>C. VCF-style: chr4-112431054-G-C. GRCh37 (hg19) VCF-style: chr4-113352210-G-C.
Other names: c.1507G>C, p.Val503Leu (NM_001102406.2); c.1273G>C, p.Val425Leu (NM_001253884.2); short protein forms V425L, V503L.
Identifiers: ClinVar variation 3901024 (VCV003901024.1).

ClinVar aggregate classification (germline): Uncertain significance (1 of 4 stars; one submission).

Conditions:
Retinal dystrophy, optic nerve edema, splenomegaly, anhidrosis, and migraine headache syndrome. Also called: ALPK1-Related Autoinflammatory Disease; Splenomegaly, cytopenia, and vision loss; Optic nerve edema-splenomegaly syndrome; ROSAH syndrome. Identifiers: Orphanet 313800, MedGen C4749914, MONDO:0013999, OMIM 614979.

Submission:

Laboratorio de Genetica e Diagnostico Molecular, Hospital Israelita Albert Einstein
Classification: Uncertain significance for Retinal dystrophy, optic nerve edema, splenomegaly, anhidrosis, and migraine headache syndrome. Last evaluated: 2023-10-11. Review status: criteria provided, single submitter. Criteria: ACMG Guidelines, 2015. Collection method: clinical testing. Allele origin: germline. Affected: yes.
Comment: ACMG classification criteria: PM2 moderate, BP4 supporting